The following is an entry in ClinVar:

NM_015443.4(KANSL1):c.315G>T (p.Gln105His)

Gene: KANSL1 (KAT8 regulatory NSL complex subunit 1). Cytogenetic location: 17q21.31.
Variant type: single nucleotide variant.
Coding change: c.315G>T on transcript NM_015443.4 (MANE Select); coding-DNA position 315, G replaced by T.
Protein change: p.Gln105His; replaces glutamine 105 with histidine.
Molecular consequence: missense variant.
Genome position (GRCh38, 1-based): chr17:46,171,829, C>A on the plus strand (G>T on the coding strand, the complement: KANSL1 is on the minus strand). VCF-style: chr17-46171829-C-A. GRCh37 (hg19) VCF-style: chr17-44249195-C-A.
Other names: c.315G>T, p.Gln105His (NM_001193465.2, NM_001193466.2, NM_001379198.1); short protein forms Q105H.
Identifiers: ClinVar variation 1447386 (VCV001447386.5), dbSNP rs761904417, ClinGen allele CA399982275.

ClinVar aggregate classification (germline): Uncertain significance (1 of 4 stars; one submission).

Conditions:
Koolen-de Vries syndrome (KDVS). Identifiers: Orphanet 96169, MedGen C1864871, MONDO:0012496, OMIM 610443.

Submission:

Labcorp Genetics (formerly Invitae), Labcorp
Classification: Uncertain significance for Koolen-de Vries syndrome. Last evaluated: 2021-10-14. Review status: criteria provided, single submitter. Criteria: Invitae Variant Classification Sherloc (09022015). Collection method: clinical testing. Allele origin: germline.
Comment: Due to the possible presence of a polymorphic segmental duplication, the location of the variant could not be unambiguously resolved. Variants with ambiguous mapping are still reported relative to the KANSL1 transcript. This sequence change replaces glutamine with histidine at codon 105 of the KANSL1 protein (p.Gln105His). The glutamine residue is highly conserved and there is a small physicochemical difference between glutamine and histidine. The frequency data for this variant in the population databases (ExAC) is considered unreliable due to the presence of homologous sequence, such as pseudogenes or paralogs, in the genome. This variant has not been reported in the literature in individuals with KANSL1-related conditions. Algorithms developed to predict the effect of missense changes on protein structure and function are either unavailable or do not agree on the potential impact of this missense change (SIFT: "Deleterious"; PolyPhen-2: "Probably Damaging"; Align-GVGD: "Class C0"). Until the location of this sequence change can be resolved, the clinical significance of this variant remains uncertain. It has been classified as a Variant of Uncertain Significance.